The following is an entry in ClinVar:

ClinVar aggregate classification (germline): Uncertain significance. Review status: criteria provided, single submitter (1 of 4 stars). 3 submissions from 3 submitters: Uncertain significance (1). 2 of the submissions do not count toward it.

Conditions:
TRAPPC6A-related disorder. Also called: TRAPPC6A-related condition.

Allele frequency attached by ClinVar (database versions not stated): 1000 Genomes Project 30x 0.00031; 1000 Genomes Project 0.00040; TOPMed 0.00194; ESP Exome Variant Server 0.00200; gnomAD exomes 0.00224 and 0.00290; gnomAD 0.00232 and 0.00240; ExAC 0.00245.
gnomAD v4.1: 4,517 of 1,603,892 alleles (0.28%); highest among the groups gnomAD compares: Non-Finnish European, 0.32%; 14 homozygotes.

Submissions (3):

Breakthrough Genomics
Classification: Uncertain significance. Review status: criteria provided, single submitter. Criteria: ACMG Guidelines, 2015. Collection method: not provided. Allele origin: germline. Inheritance: Autosomal dominant inheritance. Affected: yes.

PreventionGenetics, part of Exact Sciences
Classification: Likely benign for TRAPPC6A-related condition. Last evaluated: 2021-12-10. Review status: no assertion criteria provided. Collection method: clinical testing. Allele origin: germline. Not counted in ClinVar's aggregate classification.
Comment: This variant is classified as likely benign based on ACMG/AMP sequence variant interpretation guidelines (Richards et al. 2015 PMID: 25741868, with internal and published modifications).

OMIM
Classification: Uncertain significance for VARIANT OF UNKNOWN SIGNIFICANCE. Last evaluated: 2020-01-17. Review status: no assertion criteria provided. Collection method: literature only. Allele origin: germline. Not counted in ClinVar's aggregate classification.

Literature cited by the submitters: PubMed 29391579 (cited by OMIM).

NM_001270891.2(TRAPPC6A):c.277T>A (p.Tyr93Asn)

Gene: TRAPPC6A (trafficking protein particle complex subunit 6A; minus strand). Cytogenetic location: 19q13.32.
Variant type: single nucleotide variant.
Coding change: c.277T>A on transcript NM_001270891.2 (MANE Select); coding-DNA position 277, T replaced by A.
Protein change: p.Tyr93Asn; replaces tyrosine 93 with asparagine.
Molecular consequence: missense variant.
Genome position (GRCh38, 1-based): chr19:45,164,241, A>T on the plus strand (T>A on the coding strand, the complement: TRAPPC6A is on the minus strand). VCF-style: chr19-45164241-A-T. GRCh37 (hg19) VCF-style: chr19-45667499-A-T.
Other names: c.251T>A, p.Leu84Gln (NM_001270892.2); c.209T>A, p.Leu70Gln (NM_001270893.2); c.319T>A, p.Tyr107Asn (NM_024108.3); c.319T>A (NM_024108.2); short protein forms Y107N, L70Q, L84Q, Y93N.
Identifiers: ClinVar variation 805851 (VCV000805851.4), dbSNP rs142501705, ClinGen allele CA9510004.
Genomic context (GRCh38, chr19:45,164,241, plus strand): 5'-GATACTGCAGGCCAGAGGCCATCGGGAGGAGGAGGGGGAAGCTGTTGTCTTGCAGGACGT[A>T]GGTCCCCTGGGGGAGAGGAGAGGCTGGTGGGTGGGGTCGGGGCCTGTACATTTGAAGCGC-3'
Protein context (NP_001257820.1, residues 83-103): DSLRTNHQGT[Tyr93Asn]VLQDNSFPLL